The following is an entry in ClinVar:

ClinVar aggregate classification (germline): Uncertain significance. Review status: criteria provided, multiple submitters, no conflicts (2 of 4 stars). 2 submissions from 2 submitters: Uncertain significance (2). Last evaluated 2026-08-24.

Conditions:
Fanconi anemia (FA). Also called: Fanconi's anemia. Identifiers: Orphanet 84, MedGen C0015625, MeSH D005199, MONDO:0019391.
FANCA-related disorder. Also called: FANCA-related condition.

Allele frequency attached by ClinVar (database versions not stated): gnomAD 0.00001; gnomAD exomes below 0.00001.
gnomAD v4.1: 2 of 1,614,012 alleles (0.00012%); highest among the groups gnomAD compares: Middle Eastern, 0.033%; no homozygotes.

Submissions (2):

PreventionGenetics, part of Exact Sciences
Classification: Uncertain significance for FANCA-related condition. Last evaluated: 2026-08-24. Review status: criteria provided, single submitter. Criteria: ACMG Guidelines, 2015. Collection method: clinical testing. Allele origin: germline.
Comment: The FANCA c.2602-3C>G variant is predicted to interfere with splicing. To our knowledge, this variant has not been reported in the literature or in a large population database (gnomAD), indicating this variant is rare. It is interpreted as uncertain in ClinVar (Variation ID: 1441836). At this time, the clinical significance of this variant is uncertain due to the absence of conclusive functional and genetic evidence.

Labcorp Genetics (formerly Invitae), Labcorp
Classification: Uncertain significance for Fanconi anemia. Last evaluated: 2022-06-20. Review status: criteria provided, single submitter. Criteria: Invitae Variant Classification Sherloc (09022015). Collection method: clinical testing. Allele origin: germline.
Comment: This sequence change falls in intron 27 of the FANCA gene. It does not directly change the encoded amino acid sequence of the FANCA protein. It affects a nucleotide within the consensus splice site. This variant is not present in population databases (gnomAD no frequency). This variant has not been reported in the literature in individuals affected with FANCA-related conditions. Variants that disrupt the consensus splice site are a relatively common cause of aberrant splicing (PMID: 17576681, 9536098). Algorithms developed to predict the effect of sequence changes on RNA splicing suggest that this variant may disrupt the consensus splice site. In summary, the available evidence is currently insufficient to determine the role of this variant in disease. Therefore, it has been classified as a Variant of Uncertain Significance.

Literature cited by the submitters: PubMed 17576681 (cited by Labcorp Genetics (formerly Invitae), Labcorp); PubMed 9536098 (cited by Labcorp Genetics (formerly Invitae), Labcorp).

NM_000135.4(FANCA):c.2602-3C>G

Genes: FANCA (FA complementation group A; minus strand), LOC130059837 (ATAC-STARR-seq lymphoblastoid active region 11420; plus strand). Cytogenetic location: 16q24.3.
Variant type: single nucleotide variant.
Coding change: c.2602-3C>G on transcript NM_000135.4 (MANE Select); 3 bases into the intron before coding-DNA position 2602, C replaced by G.
Molecular consequence: intron variant.
Genome position (GRCh38, 1-based): chr16:89,765,069, G>C on the plus strand (C>G on the coding strand, the complement: FANCA is on the minus strand). VCF-style: chr16-89765069-G-C. GRCh37 (hg19) VCF-style: chr16-89831477-G-C.
Other names: c.2602-3C>G (NM_001286167.3, NM_000135.2).
Identifiers: ClinVar variation 1441836 (VCV001441836.4), dbSNP rs2143289922, ClinGen allele CA2573152892.